The following is an entry in ClinVar:

NM_002769.5(PRSS1):c.706G>A (p.Val236Met)

Genes: TRB (T cell receptor beta locus; plus strand), PRSS1 (serine protease 1; plus strand). Cytogenetic location: 7q34.
Variant type: single nucleotide variant.
Coding change: c.706G>A on transcript NM_002769.5 (MANE Select); coding-DNA position 706, G replaced by A.
Protein change: p.Val236Met; replaces valine 236 with methionine.
Molecular consequence: missense variant. On other transcripts: non-coding transcript variant (5).
Genome position (GRCh38, 1-based): chr7:142,752,982, G>A. VCF-style: chr7-142752982-G-A. GRCh37 (hg19) VCF-style: chr7-142460833-G-A.
Other names: short protein forms V236M.
Identifiers: ClinVar variation 2563195 (VCV002563195.2), dbSNP rs2485769919, ClinGen allele CA369610984.

ClinVar aggregate classification (germline): Uncertain significance (1 of 4 stars; one submission).

Conditions:
Hereditary pancreatitis (PCTT). Also called: Hereditary chronic pancreatitis; PRSS1-Related Hereditary Pancreatitis. Identifiers: Orphanet 676, MedGen C0238339, MONDO:0008185, OMIM 167800.

Submission:

Ambry Genetics
Classification: Uncertain significance for Hereditary pancreatitis. Last evaluated: 2023-05-11. Review status: criteria provided, single submitter. Criteria: Ambry Variant Classification Scheme 2023. Collection method: clinical testing. Allele origin: germline.
Comment: The p.V236M variant (also known as c.706G>A), located in coding exon 5 of the PRSS1 gene, results from a G to A substitution at nucleotide position 706. The valine at codon 236 is replaced by methionine, an amino acid with highly similar properties. This amino acid position is conserved. In addition, this alteration is predicted to be tolerated by in silico analysis. Since supporting evidence is limited at this time, the clinical significance of this alteration remains unclear.